The following is an entry in ClinVar:

ClinVar aggregate classification (germline): Uncertain significance. Review status: criteria provided, multiple submitters, no conflicts (2 of 4 stars). 2 submissions from 2 submitters: Uncertain significance (2). Last evaluated 2025-06-08.

Conditions:
Inborn genetic diseases. Identifiers: MedGen C0950123, MeSH D030342.

gnomAD v4.1: 1 of 1,613,452 alleles (0.000062%); highest among the groups gnomAD compares: Admixed American, 0.0017%; no homozygotes.

Submissions (2):

Ambry Genetics
Classification: Uncertain significance for Inborn genetic diseases. Last evaluated: 2025-06-08. Review status: criteria provided, single submitter. Criteria: Ambry Variant Classification Scheme 2023. Collection method: clinical testing. Allele origin: germline.

Labcorp Genetics (formerly Invitae), Labcorp
Classification: Uncertain significance. Last evaluated: 2024-10-15. Review status: criteria provided, single submitter. Criteria: Invitae Variant Classification Sherloc (09022015). Collection method: clinical testing. Allele origin: germline.
Comment: This sequence change replaces methionine, which is neutral and non-polar, with isoleucine, which is neutral and non-polar, at codon 521 of the PPP2R5D protein (p.Met521Ile). This variant is not present in population databases (gnomAD no frequency). This variant has not been reported in the literature in individuals affected with PPP2R5D-related conditions. ClinVar contains an entry for this variant (Variation ID: 1370053). An algorithm developed to predict the effect of missense changes on protein structure and function (PolyPhen-2) suggests that this variant is likely to be tolerated. In summary, the available evidence is currently insufficient to determine the role of this variant in disease. Therefore, it has been classified as a Variant of Uncertain Significance.

NM_006245.4(PPP2R5D):c.1563G>T (p.Met521Ile)

Gene: PPP2R5D (protein phosphatase 2 regulatory subunit B'delta; plus strand). Cytogenetic location: 6p21.1.
Variant type: single nucleotide variant.
Coding change: c.1563G>T on transcript NM_006245.4 (MANE Select); coding-DNA position 1563, G replaced by T.
Protein change: p.Met521Ile; replaces methionine 521 with isoleucine.
Molecular consequence: missense variant.
Genome position (GRCh38, 1-based): chr6:43,010,889, G>T. VCF-style: chr6-43010889-G-T. GRCh37 (hg19) VCF-style: chr6-42978627-G-T.
Other names: c.1563G>T (NM_006245.2); c.1110G>T, p.Met370Ile (NM_001270476.2); c.1467G>T, p.Met489Ile (NM_180976.3); c.1245G>T, p.Met415Ile (NM_180977.3); short protein forms M370I, M521I, M415I, M489I.
Identifiers: ClinVar variation 1370053 (VCV001370053.8), dbSNP rs2150283609, ClinGen allele CA364142293.